The following is an entry in ClinVar:

NM_015331.3(NCSTN):c.892G>A (p.Ala298Thr)

Gene: NCSTN (nicastrin; plus strand). Cytogenetic location: 1q23.2.
Variant type: single nucleotide variant.
Coding change: c.892G>A on transcript NM_015331.3 (MANE Select); coding-DNA position 892, G replaced by A.
Protein change: p.Ala298Thr; replaces alanine 298 with threonine.
Molecular consequence: missense variant. On other transcripts: intron variant (1).
Genome position (GRCh38, 1-based): chr1:160,352,102, G>A. VCF-style: chr1-160352102-G-A. GRCh37 (hg19) VCF-style: chr1-160321892-G-A.
Other names: c.892G>A (NM_015331.2); c.832G>A, p.Ala278Thr (NM_001290184.2); c.892G>A, p.Ala298Thr (NM_001349729.2); c.583-785G>A (NM_001290186.2); short protein forms A278T, A298T.
Identifiers: ClinVar variation 1523606 (VCV001523606.11), dbSNP rs200800006, ClinGen allele CA1198845.

ClinVar aggregate classification (germline): Uncertain significance. Review status: criteria provided, multiple submitters, no conflicts (2 of 4 stars). 4 submissions from 4 submitters: Uncertain significance (4). Last evaluated 2025-08-16.

Conditions:
Inborn genetic diseases. Identifiers: MedGen C0950123, MeSH D030342.

Allele frequency attached by ClinVar (database versions not stated): TOPMed 0.00003; ESP Exome Variant Server 0.00008.
gnomAD v4.1: 86 of 1,614,128 alleles (0.0053%); highest among the groups gnomAD compares: East Asian, 0.0067%; no homozygotes.

Submissions (4):

Labcorp Genetics (formerly Invitae), Labcorp
Classification: Uncertain significance. Last evaluated: 2025-08-16. Review status: criteria provided, single submitter. Criteria: Invitae Variant Classification Sherloc (09022015). Collection method: clinical testing. Allele origin: germline.
Comment: This sequence change replaces alanine, which is neutral and non-polar, with threonine, which is neutral and polar, at codon 298 of the NCSTN protein (p.Ala298Thr). This variant is present in population databases (rs200800006, gnomAD 0.01%). This variant has not been reported in the literature in individuals affected with NCSTN-related conditions. ClinVar contains an entry for this variant (Variation ID: 1523606). Invitae Evidence Modeling of protein sequence and biophysical properties (such as structural, functional, and spatial information, amino acid conservation, physicochemical variation, residue mobility, and thermodynamic stability) indicates that this missense variant is not expected to disrupt NCSTN protein function with a negative predictive value of 80%. In summary, the available evidence is currently insufficient to determine the role of this variant in disease. Therefore, it has been classified as a Variant of Uncertain Significance.

Ambry Genetics
Classification: Uncertain significance for Inborn genetic diseases. Last evaluated: 2024-01-08. Review status: criteria provided, single submitter. Criteria: Ambry Variant Classification Scheme 2023. Collection method: clinical testing. Allele origin: germline.

Blueprint Genetics
Classification: Uncertain significance. Last evaluated: 2022-06-02. Review status: criteria provided, single submitter. Criteria: ACMG Guidelines, 2015. Collection method: clinical testing. Allele origin: germline.

Breakthrough Genomics
Classification: Uncertain significance. Review status: criteria provided, single submitter. Criteria: ACMG Guidelines, 2015. Collection method: not provided. Allele origin: germline. Inheritance: Autosomal dominant inheritance. Affected: yes.